The following is an entry in ClinVar:

ClinVar aggregate classification (germline): Uncertain significance. Review status: criteria provided, multiple submitters, no conflicts (2 of 4 stars). 4 submissions from 4 submitters: Uncertain significance (3). 1 of the submissions does not count toward it. Last evaluated 2025-11-11.

Conditions:
RAD50-related disorder. Also called: RAD50-related condition.
Hereditary cancer-predisposing syndrome. Also called: Hereditary Cancer Syndrome; Hereditary neoplastic syndrome; Neoplastic Syndromes, Hereditary; Tumor predisposition. Identifiers: Orphanet 140162, MedGen C0027672, MeSH D009386, MONDO:0015356.
Nijmegen breakage syndrome-like disorder (NBSLD). Also called: MICROCEPHALY AND SPONTANEOUS CHROMOSOME INSTABILITY WITHOUT IMMUNODEFICIENCY; NBS-LIKE DISORDER; RAD50 DEFICIENCY. Identifiers: Orphanet 240760, MedGen C2751318, MONDO:0013118, OMIM 613078.

Allele frequency attached by ClinVar (database versions not stated): gnomAD exomes below 0.00001 and 0.00001; ExAC 0.00002; gnomAD 0.00003; TOPMed 0.00003; 1000 Genomes Project 30x 0.00016; 1000 Genomes Project 0.00020.
gnomAD v4.1: 7 of 1,614,082 alleles (0.00043%); highest among the groups gnomAD compares: African/African-American, 0.0093%; no homozygotes.

Submissions (4):

Labcorp Genetics (formerly Invitae), Labcorp
Classification: Uncertain significance for Hereditary cancer-predisposing syndrome. Last evaluated: 2025-11-11. Review status: criteria provided, single submitter. Criteria: Invitae Variant Classification Sherloc (09022015). Collection method: clinical testing. Allele origin: germline.
Comment: This sequence change replaces aspartic acid, which is acidic and polar, with glutamic acid, which is acidic and polar, at codon 21 of the RAD50 protein (p.Asp21Glu). This variant is present in population databases (rs545546432, gnomAD 0.01%). This variant has not been reported in the literature in individuals affected with RAD50-related conditions. ClinVar contains an entry for this variant (Variation ID: 408398). Invitae Evidence Modeling of protein sequence and biophysical properties (such as structural, functional, and spatial information, amino acid conservation, physicochemical variation, residue mobility, and thermodynamic stability) indicates that this missense variant is not expected to disrupt RAD50 protein function with a negative predictive value of 80%. In summary, the available evidence is currently insufficient to determine the role of this variant in disease. Therefore, it has been classified as a Variant of Uncertain Significance.

Ambry Genetics
Classification: Uncertain significance for Hereditary cancer-predisposing syndrome. Last evaluated: 2024-11-02. Review status: criteria provided, single submitter. Criteria: Ambry Variant Classification Scheme 2023. Collection method: clinical testing. Allele origin: germline.
Comment: The p.D21E variant (also known as c.63T>G), located in coding exon 1 of the RAD50 gene, results from a T to G substitution at nucleotide position 63. The aspartic acid at codon 21 is replaced by glutamic acid, an amino acid with highly similar properties. This amino acid position is highly conserved in available vertebrate species. In addition, this alteration is predicted to be tolerated by in silico analysis. Since supporting evidence is limited at this time, the clinical significance of this alteration remains unclear.

Baylor Genetics
Classification: Uncertain significance for Nijmegen breakage syndrome-like disorder. Last evaluated: 2023-11-30. Review status: criteria provided, single submitter. Criteria: ACMG Guidelines, 2015. Collection method: clinical testing. Allele origin: unknown.

PreventionGenetics, part of Exact Sciences
Classification: Uncertain significance for RAD50-related condition. Last evaluated: 2024-09-23. Review status: no assertion criteria provided. Collection method: clinical testing. Allele origin: germline. Not counted in ClinVar's aggregate classification.
Comment: The RAD50 c.63T>G variant is predicted to result in the amino acid substitution p.Asp21Glu. To our knowledge, this variant has not been reported in the literature. This variant is reported in 0.012% of alleles in individuals of African descent in gnomAD and is classified as a variant of uncertain significance in ClinVar. At this time, the clinical significance of this variant is uncertain due to the absence of conclusive functional and genetic evidence.

NM_005732.4(RAD50):c.63T>G (p.Asp21Glu)

Gene: RAD50 (RAD50 double strand break repair protein; plus strand). Cytogenetic location: 5q31.1.
Variant type: single nucleotide variant.
Coding change: c.63T>G on transcript NM_005732.4 (MANE Select); coding-DNA position 63, T replaced by G.
Protein change: p.Asp21Glu; replaces aspartic acid 21 with glutamic acid.
Molecular consequence: missense variant.
Genome position (GRCh38, 1-based): chr5:132,557,387, T>G. VCF-style: chr5-132557387-T-G. GRCh37 (hg19) VCF-style: chr5-131893079-T-G.
Other names: short protein forms D21E.
Identifiers: ClinVar variation 408398 (VCV000408398.17), dbSNP rs545546432, ClinGen allele CA3404883.